The following is an entry in ClinVar:

NM_001283009.2(RTEL1):c.2087G>A (p.Gly696Glu)

Genes: RTEL1 (regulator of telomere elongation helicase 1; plus strand), RTEL1-TNFRSF6B (RTEL1-TNFRSF6B readthrough (NMD candidate); plus strand). Cytogenetic location: 20q13.33.
Variant type: single nucleotide variant.
Coding change: c.2087G>A on transcript NM_001283009.2 (MANE Select); coding-DNA position 2087, G replaced by A.
Protein change: p.Gly696Glu; replaces glycine 696 with glutamic acid.
Molecular consequence: missense variant. On other transcripts: non-coding transcript variant (1).
Genome position (GRCh38, 1-based): chr20:63,689,811, G>A. VCF-style: chr20-63689811-G-A. GRCh37 (hg19) VCF-style: chr20-62321164-G-A.
Other names: c.1418G>A, p.Gly473Glu (NM_001283010.1); c.2087G>A, p.Gly696Glu (NM_016434.4); c.2159G>A, p.Gly720Glu (NM_032957.5); short protein forms G473E, G720E, G696E.
Identifiers: ClinVar variation 2950377 (VCV002950377.3), dbSNP rs2517135080, ClinGen allele CA409679226.

ClinVar aggregate classification (germline): Uncertain significance (1 of 4 stars; one submission).

Conditions:
Dyskeratosis congenita, autosomal recessive 5 (DKCB5). Identifiers: MedGen C3554656, MONDO:0014076, OMIM 615190.
Pulmonary fibrosis and/or bone marrow failure, Telomere-related, 3. Also called: PULMONARY FIBROSIS AND/OR BONE MARROW FAILURE SYNDROME, TELOMERE-RELATED, 3. Identifiers: Orphanet 2032, MedGen C4225346, MONDO:0014613, OMIM 616373.

Submission:

Labcorp Genetics (formerly Invitae), Labcorp
Classification: Uncertain significance for Dyskeratosis congenita, autosomal recessive 5; Pulmonary fibrosis and/or bone marrow failure, Telomere-related, 3. Last evaluated: 2024-08-30. Review status: criteria provided, single submitter. Criteria: Invitae Variant Classification Sherloc (09022015). Collection method: clinical testing. Allele origin: germline.
Comment: This sequence change replaces glycine, which is neutral and non-polar, with glutamic acid, which is acidic and polar, at codon 696 of the RTEL1 protein (p.Gly696Glu). This variant is not present in population databases (gnomAD no frequency). This variant has not been reported in the literature in individuals affected with RTEL1-related conditions. An algorithm developed to predict the effect of missense changes on protein structure and function (PolyPhen-2) suggests that this variant is likely to be disruptive. In summary, the available evidence is currently insufficient to determine the role of this variant in disease. Therefore, it has been classified as a Variant of Uncertain Significance.